The following is an entry in ClinVar:

ClinVar aggregate classification (germline): Conflicting classifications of pathogenicity. Review status: criteria provided, conflicting classifications (1 of 4 stars). 4 submissions from 4 submitters: Uncertain significance (3); Likely benign (1). Last evaluated 2026-04-08.

Conditions:
Kabuki syndrome. Also called: NIIKAWA-KUROKI SYNDROME; Kabuki make-up syndrome. Identifiers: Orphanet 2322, MedGen C0796004, MONDO:0016512.
Kabuki syndrome 1 (KABUK1). Also called: KMT2D-Related Kabuki Syndrome. Identifiers: Orphanet 2322, MedGen CN030661, MONDO:0007843, OMIM 147920.
Choanal atresia-athelia-hypothyroidism-delayed puberty-short stature syndrome (BCAHH). Also called: BRANCHIAL ARCH ABNORMALITIES, CHOANAL ATRESIA, ATHELIA, HEARING LOSS, AND HYPOTHYROIDISM SYNDROME. Identifiers: Orphanet 589856, MedGen C5680310, MONDO:0035651, OMIM 620186.
KMT2D-related disorder. Also called: KMT2D-Related Disorders.

Allele frequency attached by ClinVar (database versions not stated): TOPMed below 0.00001; ExAC 0.00001; gnomAD exomes 0.00003; ESP Exome Variant Server 0.00008.
gnomAD v4.1: 49 of 1,612,592 alleles (0.003%); highest among the groups gnomAD compares: Non-Finnish European, 0.0042%; no homozygotes.

Submissions (4):

PreventionGenetics, part of Exact Sciences
Classification: Uncertain significance for KMT2D-related condition. Last evaluated: 2026-04-08. Review status: criteria provided, single submitter. Criteria: ACMG Guidelines, 2015. Collection method: clinical testing. Allele origin: germline.
Comment: The KMT2D c.1888C>T variant is predicted to result in the amino acid substitution p.Pro630Ser. To our knowledge, this variant has not been reported in the literature. This variant is reported in 0.00089% of alleles in individuals of European (Non-Finnish) descent in gnomAD. At this time, the clinical significance of this variant is uncertain due to the absence of conclusive functional and genetic evidence.

Labcorp Genetics (formerly Invitae), Labcorp
Classification: Likely benign for Kabuki syndrome. Last evaluated: 2024-09-03. Review status: criteria provided, single submitter. Criteria: Invitae Variant Classification Sherloc (09022015). Collection method: clinical testing. Allele origin: germline.

Fulgent Genetics
Classification: Uncertain significance for Kabuki syndrome 1; Choanal atresia-athelia-hypothyroidism-delayed puberty-short stature syndrome. Last evaluated: 2024-02-22. Review status: criteria provided, single submitter. Criteria: ACMG Guidelines, 2015. Collection method: clinical testing. Allele origin: germline.

GeneDx
Classification: Uncertain significance. Last evaluated: 2022-05-20. Review status: criteria provided, single submitter. Criteria: GeneDx Variant Classification Process June 2021. Collection method: clinical testing. Allele origin: germline. Affected: yes.
Comment: In silico analysis supports that this missense variant does not alter protein structure/function; Has not been previously published as pathogenic or benign to our knowledge

NM_003482.4(KMT2D):c.1888C>T (p.Pro630Ser)

Gene: KMT2D (lysine methyltransferase 2D; minus strand). Cytogenetic location: 12q13.12.
Variant type: single nucleotide variant.
Coding change: c.1888C>T on transcript NM_003482.4 (MANE Select); coding-DNA position 1888, C replaced by T.
Protein change: p.Pro630Ser; replaces proline 630 with serine.
Molecular consequence: missense variant.
Genome position (GRCh38, 1-based): chr12:49,051,795, G>A on the plus strand (C>T on the coding strand, the complement: KMT2D is on the minus strand). VCF-style: chr12-49051795-G-A. GRCh37 (hg19) VCF-style: chr12-49445578-G-A.
Other names: short protein forms P630S.
Identifiers: ClinVar variation 1800760 (VCV001800760.9), dbSNP rs377135124, ClinGen allele CA6548409.